The following is an entry in ClinVar:

ClinVar aggregate classification (germline): Uncertain significance (1 of 4 stars; one submission).

Conditions:
Neurodevelopmental disorder with hypotonia, stereotypic hand movements, and impaired language. Also called: Intellectual disability, autosomal dominant 20. Identifiers: Orphanet 228384, Orphanet 664410, MedGen C3150700, MONDO:0013266, OMIM 613443.

Submission:

Labcorp Genetics (formerly Invitae), Labcorp
Classification: Uncertain significance for Neurodevelopmental disorder with hypotonia, stereotypic hand movements, and impaired language. Last evaluated: 2020-05-11. Review status: criteria provided, single submitter. Criteria: Invitae Variant Classification Sherloc (09022015). Collection method: clinical testing. Allele origin: germline.
Comment: In summary, the available evidence is currently insufficient to determine the role of this variant in disease. Therefore, it has been classified as a Variant of Uncertain Significance. Algorithms developed to predict the effect of missense changes on protein structure and function (SIFT, PolyPhen-2, Align-GVGD) all suggest that this variant is likely to be tolerated, but these predictions have not been confirmed by published functional studies and their clinical significance is uncertain. This variant has not been reported in the literature in individuals with MEF2C-related conditions. This variant is not present in population databases (ExAC no frequency). This sequence change replaces asparagine with aspartic acid at codon 94 of the MEF2C protein (p.Asn94Asp). The asparagine residue is moderately conserved and there is a small physicochemical difference between asparagine and aspartic acid.

NM_002397.5(MEF2C):c.280A>G (p.Asn94Asp)

Gene: MEF2C (myocyte enhancer factor 2C; minus strand). Cytogenetic location: 5q14.3.
Variant type: single nucleotide variant.
Coding change: c.280A>G on transcript NM_002397.5 (MANE Select); coding-DNA position 280, A replaced by G.
Protein change: p.Asn94Asp; replaces asparagine 94 with aspartic acid.
Molecular consequence: missense variant. On other transcripts: intron variant (10), 5 prime UTR variant (2).
Genome position (GRCh38, 1-based): chr5:88,761,307, T>C on the plus strand (A>G on the coding strand, the complement: MEF2C is on the minus strand). VCF-style: chr5-88761307-T-C. GRCh37 (hg19) VCF-style: chr5-88057124-T-C.
Other names: c.259-9264A>G (NM_001364344.2, NM_001364354.2, NM_001364332.2 and 3 more transcripts); c.259-182A>G (NM_001131005.2, NM_001364352.2, NM_001364343.2); c.-24-9264A>G (NM_001364357.2); c.280A>G, p.Asn94Asp (NM_001193347.1, NM_001193350.2, NM_001308002.3 and 20 more transcripts); c.-99A>G (NM_001364353.2, NM_001364356.2); short protein forms N94D.
Identifiers: ClinVar variation 998900 (VCV000998900.9), dbSNP rs1777743502, ClinGen allele CA360424694.